The following is an entry in ClinVar:

NM_006929.5(SKIC2):c.3720G>A (p.Ala1240=)

Gene: SKIC2 (SKI2 subunit of superkiller complex; plus strand). Cytogenetic location: 6p21.33.
Variant type: single nucleotide variant.
Coding change: c.3720G>A on transcript NM_006929.5 (MANE Select); coding-DNA position 3720, G replaced by A.
Protein change: p.Ala1240=; no amino-acid change (alanine 1240 retained).
Molecular consequence: synonymous variant.
Genome position (GRCh38, 1-based): chr6:31,969,694, G>A. VCF-style: chr6-31969694-G-A. GRCh37 (hg19) VCF-style: chr6-31937471-G-A.
Other names: c.3720G>A (NM_006929.4).
Identifiers: ClinVar variation 2995877 (VCV002995877.4), dbSNP rs761696355, ClinGen allele CA3730120.
Genomic context (GRCh38, chr6:31,969,694, plus strand): 5'-TGTGCTGGGTGCCAAGATGGAGACAGCGGCTACCTTGCTACGGCGGGACATCGTATTTGC[G>A]GCCAGCCTCTACACCCAGTGAATGCCCCATGTAAAAACATGATGATAAAACAGCAAAGCA-3'
Protein context (NP_008860.4, residues 1230-1246): ATLLRRDIVF[Ala1240=]ASLYTQ

ClinVar aggregate classification (germline): Likely benign. Review status: criteria provided, single submitter (1 of 4 stars). 2 submissions from 2 submitters: Likely benign (1). 1 of the submissions does not count toward it. Last evaluated 2025-11-25.

Conditions:
SKIC2-related disorder. Also called: SKIC2-related condition.

Allele frequency attached by ClinVar (database versions not stated): gnomAD 0.00003; TOPMed 0.00003; gnomAD exomes below 0.00001; ExAC 0.00003.
gnomAD v4.1: 10 of 1,600,756 alleles (0.00062%); highest among the groups gnomAD compares: African/African-American, 0.004%; no homozygotes.

Submissions (2):

Labcorp Genetics (formerly Invitae), Labcorp
Classification: Likely benign. Last evaluated: 2025-11-25. Review status: criteria provided, single submitter. Criteria: Invitae Variant Classification Sherloc (09022015). Collection method: clinical testing. Allele origin: germline.

PreventionGenetics, part of Exact Sciences
Classification: Likely benign for SKIC2-related condition. Last evaluated: 2024-06-25. Review status: no assertion criteria provided. Collection method: clinical testing. Allele origin: germline. Not counted in ClinVar's aggregate classification.
Comment: This variant is classified as likely benign based on ACMG/AMP sequence variant interpretation guidelines (Richards et al. 2015 PMID: 25741868, with internal and published modifications).